The following is an entry in ClinVar:

NM_198904.4(GABRG2):c.820T>C (p.Tyr274His)

Gene: GABRG2 (gamma-aminobutyric acid type A receptor subunit gamma2; plus strand). Cytogenetic location: 5q34.
Variant type: single nucleotide variant.
Coding change: c.820T>C on transcript NM_198904.4 (MANE Select); coding-DNA position 820, T replaced by C.
Protein change: p.Tyr274His; replaces tyrosine 274 with histidine.
Molecular consequence: missense variant.
Genome position (GRCh38, 1-based): chr5:162,142,214, T>C. VCF-style: chr5-162142214-T-C. GRCh37 (hg19) VCF-style: chr5-161569220-T-C.
Other names: c.820T>C, p.Tyr274His (NM_000816.3, NM_001375340.1); c.811T>C, p.Tyr271His (NM_001375339.1); c.817T>C, p.Tyr273His (NM_001375341.1, NM_001375342.1); c.940T>C, p.Tyr314His (NM_001375343.1, NM_198903.2); c.859T>C, p.Tyr287His (NM_001375344.1); c.754T>C, p.Tyr252His (NM_001375345.1, NM_001375346.1); c.733T>C, p.Tyr245His (NM_001375347.1); c.400T>C, p.Tyr134His (NM_001375348.1, NM_001375350.1); and 1 more; short protein forms Y134H, Y179H, Y245H, Y252H, Y271H, Y273H, Y274H, Y287H.
Identifiers: ClinVar variation 5037418 (VCV005037418.1).

ClinVar aggregate classification (germline): Uncertain significance (1 of 4 stars; one submission).

Submission:

GeneDx
Classification: Uncertain significance. Last evaluated: 2026-04-19. Review status: criteria provided, single submitter. Criteria: GeneDx Variant Classification Process June 2021. Collection method: clinical testing. Allele origin: germline.
Comment: Not observed at significant frequency in large population cohorts (gnomAD); In silico analysis supports that this missense variant has a deleterious effect on protein structure/function; Has not been previously published as pathogenic or benign to our knowledge